The following is an entry in ClinVar:

ClinVar aggregate classification (germline): Benign. Review status: criteria provided, multiple submitters, no conflicts (2 of 4 stars). 7 submissions from 7 submitters: Benign (6). 1 of the submissions does not count toward it. Last evaluated 2026-02-04.

Conditions:
Beta-D-mannosidosis (MANSB). Also called: MANNOSIDOSIS, BETA A, LYSOSOMAL; Beta-Mannosidosis; BETA-MANNOSIDASE DEFICIENCY; LYSOSOMAL BETA-MANNOSIDASE DEFICIENCY. Identifiers: Orphanet 118, MedGen C4048196, MONDO:0009562, OMIM 248510.

Submissions (7):

Labcorp Genetics (formerly Invitae), Labcorp
Classification: Benign for Beta-D-mannosidosis. Last evaluated: 2026-02-04. Review status: criteria provided, single submitter. Criteria: Invitae Variant Classification Sherloc (09022015). Collection method: clinical testing. Allele origin: germline.

Molecular Genetics, Royal Melbourne Hospital
Classification: Benign for Beta-D-mannosidosis. Last evaluated: 2023-05-04. Review status: criteria provided, single submitter. Criteria: ACMG Guidelines, 2015. Collection method: clinical testing. Allele origin: germline. Affected: yes.
Comment: Latino/Admixed American population allele frequency is 72.75% (rs200835097, 22,987/31,314 alleles, 7,883 homozygotes in gnomAD v2.1). Based on the classification scheme RMH Modified ACMG/AMP Guidelines v1.1.0, this variant is classified as BENIGN. Following criteria are met: BA1

Genome-Nilou Lab
Classification: Benign for Beta-D-mannosidosis. Last evaluated: 2021-09-05. Review status: criteria provided, single submitter. Criteria: ACMG Guidelines, 2015. Collection method: clinical testing. Allele origin: germline. Affected: no.

Women's Health and Genetics/Laboratory Corporation of America, LabCorp
Classification: Benign. Last evaluated: 2021-03-21. Review status: criteria provided, single submitter. Criteria: LabCorp Variant Classification Summary - May 2015. Collection method: clinical testing. Allele origin: germline.

GeneDx
Classification: Benign. Last evaluated: 2019-08-22. Review status: criteria provided, single submitter. Criteria: GeneDx Variant Classification Process June 2021. Collection method: clinical testing. Allele origin: germline. Affected: yes.

Laboratory for Molecular Medicine, Mass General Brigham Personalized Medicine
Classification: Benign. Last evaluated: 2016-03-29. Review status: criteria provided, single submitter. Criteria: LMM Criteria. Collection method: clinical testing. Allele origin: germline.
Comment: Variant identified in a genome or exome case(s) and assessed due to predicted null impact of the variant or pathogenic assertions in the literature or databases. Disclaimer: This variant has not undergone full assessment. The following are preliminary notes: Frequency

Mayo Clinic Laboratories, Mayo Clinic
Classification: Benign. Last evaluated: 2017-03-16. Review status: no assertion criteria provided. Collection method: clinical testing. Allele origin: unknown. Not counted in ClinVar's aggregate classification.

NM_005908.4(MANBA):c.2416-10del

Gene: MANBA (mannosidase beta; minus strand). Cytogenetic location: 4q24.
Variant type: Deletion.
Coding change: c.2416-10del on transcript NM_005908.4 (MANE Select); 10 bases into the intron before coding-DNA position 2416, one base deleted (T; older notation c.2416-10delT).
Molecular consequence: intron variant.
Genome position (GRCh38, 1-based): chr4:102,632,291, A deleted on the plus strand (T on the coding strand, the reverse complement: MANBA is on the minus strand); the first of 11 consecutive A bases (chr4:102,632,291-102,632,301); deleting any one gives the same sequence. VCF-style (leftmost placement, unchanged base first): chr4-102632290-GA-G. GRCh37 (hg19) VCF-style: chr4-103553447-GA-G.
Other names: c.2416-10delT (NM_005908.4).
Identifiers: ClinVar variation 403070 (VCV000403070.22), dbSNP rs5860729, ClinGen allele CA3026617.